The following is an entry in ClinVar:

NM_004360.5(CDH1):c.2525del (p.Ala842fs)

Gene: CDH1 (cadherin 1; plus strand). Cytogenetic location: 16q22.1.
Variant type: Deletion.
Coding change: c.2525del on transcript NM_004360.5 (MANE Select); coding-DNA position 2525, one base deleted (C; older notation c.2525delC).
Protein change: p.Ala842fs; shifts the reading frame from alanine 842.
Molecular consequence: frameshift variant.
Genome position (GRCh38, 1-based): chr16:68,833,375, C deleted. VCF-style (leftmost placement, unchanged base first): chr16-68833374-GC-G. GRCh37 (hg19) VCF-style: chr16-68867277-GC-G.
Other names: c.2342del, p.Ala781fs (NM_001317184.2); c.977del, p.Ala326fs (NM_001317185.2); c.560del, p.Ala187fs (NM_001317186.2); short protein forms A326fs, A842fs, A187fs, A781fs.
Identifiers: ClinVar variation 3998753 (VCV003998753.1).

ClinVar aggregate classification (germline): Uncertain significance (1 of 4 stars; one submission).

Conditions:
Hereditary cancer-predisposing syndrome. Also called: Tumor predisposition; Hereditary neoplastic syndrome; Neoplastic Syndromes, Hereditary; Hereditary Cancer Syndrome. Identifiers: Orphanet 140162, MedGen C0027672, MeSH D009386, MONDO:0015356.

Submission:

Ambry Genetics
Classification: Uncertain significance for Hereditary cancer-predisposing syndrome. Last evaluated: 2025-03-28. Review status: criteria provided, single submitter. Criteria: Ambry Variant Classification Scheme 2023. Collection method: clinical testing. Allele origin: germline.
Comment: The c.2525delC variant, located in coding exon 16 of the CDH1 gene, results from a deletion of one nucleotide at nucleotide position 2525, causing a translational frameshift with a predicted alternate stop codon (p.A842Vfs*4). This alteration occurs at the 3' terminus of theCDH1 gene, is not expected to trigger nonsense-mediated mRNAdecay, and impacts the last 4.6% of the protein. The exact functional effect of this alteration is unknown. Based on the available evidence, the clinical significance of this variant remains unclear.